The following is an entry in ClinVar:

NM_000069.3(CACNA1S):c.1060C>T (p.Arg354Trp)

Gene: CACNA1S (calcium voltage-gated channel subunit alpha1 S; minus strand). Cytogenetic location: 1q32.1.
Variant type: single nucleotide variant.
Coding change: c.1060C>T on transcript NM_000069.3 (MANE Select); coding-DNA position 1060, C replaced by T.
Protein change: p.Arg354Trp; replaces arginine 354 with tryptophan.
Molecular consequence: missense variant.
Genome position (GRCh38, 1-based): chr1:201,085,526, G>A on the plus strand (C>T on the coding strand, the complement: CACNA1S is on the minus strand). VCF-style: chr1-201085526-G-A. GRCh37 (hg19) VCF-style: chr1-201054654-G-A.
Other names: short protein forms R354W.
Identifiers: ClinVar variation 569755 (VCV000569755.14), dbSNP rs751247956, ClinGen allele CA077932.
Genomic context (GRCh38, chr1:201,085,526, plus strand): 5'-CGCCCTGCGTGATCCAGCTCATGTAGCCCCGAAGGTCCTCATCTAGTTGCTGCTTCTCCC[G>A]GAGCTTCTGGAAGGTTCCCCTGGACTTGGCCTTCTCCCGCTCCTTGGTGAATTCCCTGAA-3'
Protein context (NP_000060.2, residues 344-364): AKSRGTFQKL[Arg354Trp]EKQQLDEDLR

ClinVar aggregate classification (germline): Conflicting classifications of pathogenicity. Review status: criteria provided, conflicting classifications (1 of 4 stars). 3 submissions from 3 submitters: Uncertain significance (2); Likely benign (1). Last evaluated 2025-10-01.

Conditions:
Malignant hyperthermia, susceptibility to, 5 (MHS5). Also called: CACNA1S-Related Malignant Hyperthermia Susceptibility. Identifiers: Orphanet 423, MedGen C1866077, MONDO:0011163, OMIM 601887.
Hypokalemic periodic paralysis, type 1. Also called: HypoPP; Hypokalemic Periodic Paralysis Type 1 (AD). Identifiers: Orphanet 681, MedGen C3714580, MONDO:0042979, OMIM 170400.

Allele frequency attached by ClinVar (database versions not stated): gnomAD exomes below 0.00001 and 0.00001; ExAC 0.00001; gnomAD 0.00002; TOPMed 0.00002.
gnomAD v4.1: 16 of 1,613,166 alleles (0.00099%); highest among the groups gnomAD compares: East Asian, 0.0022%; no homozygotes.

Submissions (3):

Labcorp Genetics (formerly Invitae), Labcorp
Classification: Likely benign for Hypokalemic periodic paralysis, type 1; Malignant hyperthermia, susceptibility to, 5. Last evaluated: 2025-10-01. Review status: criteria provided, single submitter. Criteria: Invitae Variant Classification Sherloc (09022015). Collection method: clinical testing. Allele origin: germline.

GeneDx
Classification: Uncertain significance. Last evaluated: 2025-04-23. Review status: criteria provided, single submitter. Criteria: GeneDx Variant Classification Process June 2021. Collection method: clinical testing. Allele origin: germline. Affected: yes.
Comment: Not observed at significant frequency in large population cohorts (gnomAD); In silico analysis supports that this missense variant has a deleterious effect on protein structure/function; Has not been previously published as pathogenic or benign to our knowledge

All of Us Research Program, National Institutes of Health
Classification: Uncertain significance for Malignant hyperthermia, susceptibility to, 5. Last evaluated: 2023-03-28. Review status: criteria provided, single submitter. Criteria: ACMG Guidelines, 2015. Collection method: clinical testing. Allele origin: germline. Inheritance: Autosomal dominant inheritance. Observed: 1 variant allele, 1 heterozygote.
Comment: This study involves interpretation of variants in research participants for the purpose of population health screening. Participant phenotype was not available at the time of variant classification. Additional details can be found in publication PMID: 35346344, PMCID: PMC8962531